The following is an entry in ClinVar:

ClinVar aggregate classification (germline): Uncertain significance (1 of 4 stars; one submission).

Submission:

GeneDx
Classification: Uncertain significance. Last evaluated: 2025-10-24. Review status: criteria provided, single submitter. Criteria: GeneDx Variant Classification Process June 2021. Collection method: clinical testing. Allele origin: germline.
Comment: Not observed at significant frequency in large population cohorts (gnomAD); In silico analysis supports that this missense variant has a deleterious effect on protein structure/function; In silico analysis supports a deleterious effect on splicing; Has not been previously published as pathogenic or benign to our knowledge

NM_022168.4(IFIH1):c.1095G>T (p.Lys365Asn)

Gene: IFIH1 (interferon induced with helicase C domain 1; minus strand). Cytogenetic location: 2q24.2.
Variant type: single nucleotide variant.
Coding change: c.1095G>T on transcript NM_022168.4 (MANE Select); coding-DNA position 1095, G replaced by T.
Protein change: p.Lys365Asn; replaces lysine 365 with asparagine.
Molecular consequence: missense variant.
Genome position (GRCh38, 1-based): chr2:162,288,135, C>A on the plus strand (G>T on the coding strand, the complement: IFIH1 is on the minus strand). VCF-style: chr2-162288135-C-A. GRCh37 (hg19) VCF-style: chr2-163144645-C-A.
Other names: short protein forms K365N.
Identifiers: ClinVar variation 1803682 (VCV001803682.2), dbSNP rs2468971194, ClinGen allele CA349004411.